The following is an entry in ClinVar:

NM_000535.7(PMS2):c.70C>T (p.His24Tyr)

Gene: PMS2 (PMS1 homolog 2, mismatch repair system component; minus strand). Cytogenetic location: 7p22.1.
Variant type: single nucleotide variant.
Coding change: c.70C>T on transcript NM_000535.7 (MANE Select); coding-DNA position 70, C replaced by T.
Protein change: p.His24Tyr; replaces histidine 24 with tyrosine.
Molecular consequence: missense variant. On other transcripts: 5 prime UTR variant (38), non-coding transcript variant (1), intron variant (7).
Genome position (GRCh38, 1-based): chr7:6,005,985, G>A on the plus strand (C>T on the coding strand, the complement: PMS2 is on the minus strand). VCF-style: chr7-6005985-G-A. GRCh37 (hg19) VCF-style: chr7-6045616-G-A.
Other names: c.-336C>T (NM_001322003.2, NM_001322005.2, NM_001322009.2 and 10 more transcripts); c.70C>T, p.His24Tyr (NM_001322006.2, NM_001322014.2, NM_001406868.1 and 10 more transcripts); c.-146C>T (NM_001322007.2, NM_001406876.1, NM_001406883.1 and 4 more transcripts); c.-815C>T (NM_001322011.2, NM_001322012.2); c.-415C>T (NM_001322015.2, NM_001406875.1, NM_001406877.1 and 2 more transcripts); c.256C>T, p.His86Tyr (NM_001406866.1); c.-362C>T (NM_001406880.1); c.-283C>T (NM_001406888.1, NM_001406889.1, NM_001406892.1 and 5 more transcripts); and 7 more; short protein forms H24Y, H86Y.
Identifiers: ClinVar variation 3421457 (VCV003421457.1).

ClinVar aggregate classification (germline): Uncertain significance (1 of 4 stars; one submission).

Conditions:
Hereditary cancer-predisposing syndrome. Also called: Neoplastic Syndromes, Hereditary; Tumor predisposition; Hereditary Cancer Syndrome; Hereditary neoplastic syndrome. Identifiers: Orphanet 140162, MedGen C0027672, MeSH D009386, MONDO:0015356.

Submission:

Ambry Genetics
Classification: Uncertain significance for Hereditary cancer-predisposing syndrome. Last evaluated: 2024-08-13. Review status: criteria provided, single submitter. Criteria: Ambry Variant Classification Scheme 2023. Collection method: clinical testing. Allele origin: germline.
Comment: The p.H24Y variant (also known as c.70C>T), located in coding exon 2 of the PMS2 gene, results from a C to T substitution at nucleotide position 70. The histidine at codon 24 is replaced by tyrosine, an amino acid with similar properties. This amino acid position is conserved. In addition, this alteration is predicted to be deleterious by in silico analysis. Based on the available evidence, the clinical significance of this variant remains unclear.